The following is an entry in ClinVar:

ClinVar aggregate classification (germline): Benign/Likely benign. Review status: criteria provided, multiple submitters, no conflicts (2 of 4 stars). 11 submissions from 11 submitters: Benign (7); Likely benign (1). 3 of the submissions do not count toward it. Last evaluated 2026-02-04.

Conditions:
ALPK3-related disorder. Also called: ALPK3-related condition.
Cardiovascular phenotype. Identifiers: MedGen CN230736.

Allele frequency attached by ClinVar (database versions not stated): gnomAD 0.18268; TOPMed 0.18867; ESP Exome Variant Server 0.19734; gnomAD exomes 0.21907; ExAC 0.22195; 1000 Genomes Project 30x 0.13726; 1000 Genomes Project 0.13798.
gnomAD v4.1: 395,154 of 1,613,600 alleles (24%); highest among the groups gnomAD compares: Middle Eastern, 38%; 51,792 homozygotes.

Submissions (11):

Labcorp Genetics (formerly Invitae), Labcorp
Classification: Benign. Last evaluated: 2026-02-04. Review status: criteria provided, single submitter. Criteria: Invitae Variant Classification Sherloc (09022015). Collection method: clinical testing. Allele origin: germline.

Molecular Diagnostic Laboratory for Inherited Cardiovascular Disease, Montreal Heart Institute
Classification: Benign. Last evaluated: 2025-04-09. Review status: criteria provided, single submitter. Criteria: ACMG Guidelines, 2015. Collection method: clinical testing. Allele origin: germline. Affected: no.
Comment: BA1

Blueprint Genetics
Classification: Benign. Last evaluated: 2024-11-27. Review status: criteria provided, single submitter. Criteria: ACMG Guidelines, 2015. Collection method: clinical testing. Allele origin: germline.

Women's Health and Genetics/Laboratory Corporation of America, LabCorp
Classification: Likely benign. Last evaluated: 2023-04-04. Review status: criteria provided, single submitter. Criteria: LabCorp Variant Classification Summary - May 2015. Collection method: clinical testing. Allele origin: germline.

Mayo Clinic Laboratories, Mayo Clinic
Classification: Benign. Last evaluated: 2022-04-26. Review status: criteria provided, single submitter. Criteria: ACMG Guidelines, 2015. Collection method: clinical testing. Allele origin: germline. Observed: 373 variant alleles.

Ambry Genetics
Classification: Benign for Cardiovascular phenotype. Last evaluated: 2018-12-04. Review status: criteria provided, single submitter. Criteria: Ambry Variant Classification Scheme 2023. Collection method: clinical testing. Allele origin: germline.

GeneDx
Classification: Benign. Last evaluated: 2016-09-23. Review status: criteria provided, single submitter. Criteria: GeneDx Variant Classification (06012015). Collection method: clinical testing. Allele origin: germline. Affected: yes.
Comment: This variant is considered likely benign or benign based on one or more of the following criteria: it is a conservative change, it occurs at a poorly conserved position in the protein, it is predicted to be benign by multiple in silico algorithms, and/or has population frequency not consistent with disease.

Breakthrough Genomics
Classification: Benign. Review status: criteria provided, single submitter. Criteria: ACMG Guidelines, 2015. Collection method: not provided. Allele origin: germline. Inheritance: Autosomal recessive inheritance. Affected: yes.

PreventionGenetics, part of Exact Sciences
Classification: Benign for ALPK3-related condition. Last evaluated: 2019-09-18. Review status: no assertion criteria provided. Collection method: clinical testing. Allele origin: germline. Not counted in ClinVar's aggregate classification.
Comment: This variant is classified as benign based on ACMG/AMP sequence variant interpretation guidelines (Richards et al. 2015 PMID: 25741868, with internal and published modifications).

Clinical Genetics DNA and cytogenetics Diagnostics Lab, Erasmus MC, Erasmus Medical Center
Classification: Benign. Review status: no assertion criteria provided. Collection method: clinical testing. Allele origin: germline. Affected: yes. Study: VKGL Data-share Consensus. Not counted in ClinVar's aggregate classification.

Clinical Genetics, Academic Medical Center
Classification: Benign. Review status: no assertion criteria provided. Collection method: clinical testing. Allele origin: germline. Affected: yes. Study: VKGL Data-share Consensus. Not counted in ClinVar's aggregate classification.

NM_020778.5(ALPK3):c.1130G>A (p.Gly377Glu)

Gene: ALPK3 (alpha kinase 3; plus strand). Cytogenetic location: 15q25.3.
Variant type: single nucleotide variant.
Coding change: c.1130G>A on transcript NM_020778.5 (MANE Select); coding-DNA position 1130, G replaced by A.
Protein change: p.Gly377Glu; replaces glycine 377 with glutamic acid.
Molecular consequence: missense variant.
Genome position (GRCh38, 1-based): chr15:84,840,409, G>A. VCF-style: chr15-84840409-G-A. GRCh37 (hg19) VCF-style: chr15-85383640-G-A.
Other names: p.Gly579Glu; short protein forms G579E, G377E.
Identifiers: ClinVar variation 384685 (VCV000384685.20), dbSNP rs3803405, ClinGen allele CA7709126.